The following is an entry in ClinVar:

NM_001363711.2(DUOX2):c.4097del (p.Pro1366fs)

Gene: DUOX2 (dual oxidase 2; minus strand). Cytogenetic location: 15q21.1.
Variant type: Deletion.
Coding change: c.4097del on transcript NM_001363711.2 (MANE Select); coding-DNA position 4097, one base deleted (C; older notation c.4097delC).
Protein change: p.Pro1366fs; shifts the reading frame from proline 1366.
Molecular consequence: frameshift variant.
Genome position (GRCh38, 1-based): chr15:45,095,579, G deleted on the plus strand (C on the coding strand, the reverse complement: DUOX2 is on the minus strand); the first of 2 consecutive G bases (chr15:45,095,579-45,095,580); deleting either gives the same sequence. VCF-style (leftmost placement, unchanged base first): chr15-45095578-CG-C. GRCh37 (hg19) VCF-style: chr15-45387776-CG-C.
Other names: c.4097del, p.Pro1366fs (NM_014080.5); short protein forms P1366fs.
Identifiers: ClinVar variation 3639840 (VCV003639840.2).

ClinVar aggregate classification (germline): Pathogenic (1 of 4 stars; one submission).

Submission:

Labcorp Genetics (formerly Invitae), Labcorp
Classification: Pathogenic. Last evaluated: 2024-02-09. Review status: criteria provided, single submitter. Criteria: Invitae Variant Classification Sherloc (09022015). Collection method: clinical testing. Allele origin: germline.
Comment: This sequence change creates a premature translational stop signal (p.Pro1366Argfs*54) in the DUOX2 gene. It is expected to result in an absent or disrupted protein product. Loss-of-function variants in DUOX2 are known to be pathogenic (PMID: 12110737, 18765513, 21565790, 24423310, 24735383). This variant is not present in population databases (gnomAD no frequency). This variant has not been reported in the literature in individuals affected with DUOX2-related conditions. Algorithms developed to predict the effect of sequence changes on RNA splicing suggest that this variant may disrupt the consensus splice site. For these reasons, this variant has been classified as Pathogenic.

Literature cited by the submitters: PubMed 12110737; PubMed 18765513; PubMed 21565790; PubMed 24423310; PubMed 24735383.